The following is an entry in ClinVar:

ClinVar aggregate classification (germline): Pathogenic (1 of 4 stars; one submission).

Conditions:
Glycogen storage disease, type IV (GSD4). Also called: Glycogen storage disease due to glycogen branching enzyme deficiency; AMYLOPECTINOSIS; ANDERSEN DISEASE; BRANCHER DEFICIENCY; CIRRHOSIS, FAMILIAL, WITH DEPOSITION OF ABNORMAL GLYCOGEN; GBE1 DEFICIENCY. Identifiers: Orphanet 367, MedGen C0017923, MONDO:0009292, OMIM 232500.
Glycogen storage disease IV, classic hepatic. Also called: GSD IV, CLASSIC HEPATIC. Identifiers: MedGen C1856301.

Submission:

Labcorp Genetics (formerly Invitae), Labcorp
Classification: Pathogenic for Glycogen storage disease, type IV; Glycogen storage disease IV, classic hepatic. Last evaluated: 2025-10-17. Review status: criteria provided, single submitter. Criteria: Invitae Variant Classification Sherloc (09022015). Collection method: clinical testing. Allele origin: germline.
Comment: This sequence change creates a premature translational stop signal (p.Lys121Asnfs*22) in the GBE1 gene. It is expected to result in an absent or disrupted protein product. Loss-of-function variants in GBE1 are known to be pathogenic (PMID: 15452297, 20058079). This variant is not present in population databases (gnomAD no frequency). This variant has not been reported in the literature in individuals affected with GBE1-related conditions. For these reasons, this variant has been classified as Pathogenic.

Literature cited by the submitters: PubMed 15452297; PubMed 20058079.

NM_000158.4(GBE1):c.363del (p.Lys121fs)

Gene: GBE1 (1,4-alpha-glucan branching enzyme 1; minus strand). Cytogenetic location: 3p12.2.
Variant type: Deletion.
Coding change: c.363del on transcript NM_000158.4 (MANE Select); coding-DNA position 363, one base deleted (A; older notation c.363delA).
Protein change: p.Lys121fs; shifts the reading frame from lysine 121.
Molecular consequence: frameshift variant.
Genome position (GRCh38, 1-based): chr3:81,670,904, T deleted on the plus strand (A on the coding strand, the reverse complement: GBE1 is on the minus strand); the first of 4 consecutive T bases (chr3:81,670,904-81,670,907); deleting any one gives the same sequence. VCF-style (leftmost placement, unchanged base first): chr3-81670903-AT-A. GRCh37 (hg19) VCF-style: chr3-81720054-AT-A.
Other names: short protein forms K121fs.
Identifiers: ClinVar variation 4784049 (VCV004784049.1).